The following is an entry in ClinVar:

ClinVar aggregate classification (germline): Uncertain significance (1 of 4 stars; one submission).

Conditions:
LEP-related disorder. Also called: LEP-related condition.

gnomAD v4.1: 1 of 1,614,186 alleles (0.000062%); highest among the groups gnomAD compares: East Asian, 0.0022%; no homozygotes.

Submission:

PreventionGenetics, part of Exact Sciences
Classification: Uncertain significance for LEP-related condition. Last evaluated: 2026-03-31. Review status: criteria provided, single submitter. Criteria: ACMG Guidelines, 2015. Collection method: clinical testing. Allele origin: germline.
Comment: The LEP c.133A>C variant is predicted to result in the amino acid substitution p.Ile45Leu. To our knowledge, this variant has not been reported in the literature or in a large population database (gnomAD), indicating this variant is rare. At this time, the clinical significance of this variant is uncertain due to the absence of conclusive functional and genetic evidence.

NM_000230.3(LEP):c.133A>C (p.Ile45Leu)

Gene: LEP (leptin; plus strand). Cytogenetic location: 7q32.1.
Variant type: single nucleotide variant.
Coding change: c.133A>C on transcript NM_000230.3 (MANE Select); coding-DNA position 133, A replaced by C.
Protein change: p.Ile45Leu; replaces isoleucine 45 with leucine.
Molecular consequence: missense variant.
Genome position (GRCh38, 1-based): chr7:128,252,151, A>C. VCF-style: chr7-128252151-A-C. GRCh37 (hg19) VCF-style: chr7-127892204-A-C.
Other names: short protein forms I45L.
Identifiers: ClinVar variation 4995968 (VCV004995968.1).